The following is an entry in ClinVar:

ClinVar aggregate classification (germline): Conflicting classifications of pathogenicity. Review status: criteria provided, conflicting classifications (1 of 4 stars). 2 submissions from 2 submitters: Uncertain significance (1); Likely benign (1). Last evaluated 2023-03-23.

Conditions:
Hereditary breast ovarian cancer syndrome. Also called: BRCA1- and BRCA2-Associated Hereditary Breast and Ovarian Cancer; Breast and ovarian cancer; Hereditary breast and ovarian cancer syndrome (HBOC); Hereditary breast and ovarian cancer; Hereditary breast and ovarian cancer syndrome; Hereditary breast and/or ovarian cancer syndrome. Identifiers: Orphanet 145, MedGen C0677776, MeSH D061325, MONDO:0003582. Disease mechanism: loss of function.
Hereditary cancer-predisposing syndrome. Also called: Tumor predisposition; Hereditary neoplastic syndrome; Neoplastic Syndromes, Hereditary; Hereditary Cancer Syndrome. Identifiers: Orphanet 140162, MedGen C0027672, MeSH D009386, MONDO:0015356.

Submissions (2):

University of Washington Department of Laboratory Medicine, University of Washington
Classification: Likely benign for Hereditary cancer-predisposing syndrome. Last evaluated: 2023-03-23. Review status: criteria provided, single submitter. Criteria: Dines et al. (Genet Med. 2020). Collection method: curation. Allele origin: germline.
Comment: Missense variant in a coldspot region where missense variants are very unlikely to be pathogenic (PMID:31911673).

BRCA2 exon 11 coldspot. Reclassification based on statistical prior probability.

Labcorp Genetics (formerly Invitae), Labcorp
Classification: Uncertain significance for Hereditary breast ovarian cancer syndrome. Last evaluated: 2021-08-31. Review status: criteria provided, single submitter. Criteria: Invitae Variant Classification Sherloc (09022015). Collection method: clinical testing. Allele origin: germline.

NM_000059.4(BRCA2):c.3569G>T (p.Arg1190Leu)

Gene: BRCA2 (BRCA2 DNA repair associated; plus strand). Cytogenetic location: 13q13.1.
Variant type: single nucleotide variant.
Coding change: c.3569G>T on transcript NM_000059.4 (MANE Select); coding-DNA position 3569, G replaced by T.
Protein change: p.Arg1190Leu; replaces arginine 1190 with leucine.
Molecular consequence: missense variant.
Genome position (GRCh38, 1-based): chr13:32,337,924, G>T. VCF-style: chr13-32337924-G-T. GRCh37 (hg19) VCF-style: chr13-32912061-G-T.
Other names: short protein forms R1190L.
Identifiers: ClinVar variation 666193 (VCV000666193.6), dbSNP rs80358605, ClinGen allele CA387777328.